The following is an entry in ClinVar:

ClinVar aggregate classification (germline): Uncertain significance (1 of 4 stars; one submission).

gnomAD v4.1: 2 of 1,612,708 alleles (0.00012%); no homozygotes.

Submission:

GeneDx
Classification: Uncertain significance. Last evaluated: 2025-05-27. Review status: criteria provided, single submitter. Criteria: GeneDx Variant Classification Process June 2021. Collection method: clinical testing. Allele origin: germline. Affected: yes.
Comment: Not observed at significant frequency in large population cohorts (gnomAD); In silico analysis suggests that this missense variant does not alter protein structure/function; Has not been previously published as pathogenic or benign to our knowledge

NM_001368067.1(LDB3):c.757G>A (p.Glu253Lys)

Gene: LDB3 (LIM domain binding 3; plus strand). Cytogenetic location: 10q23.2.
Variant type: single nucleotide variant.
Coding change: c.757G>A on transcript NM_001368067.1 (MANE Plus Clinical); coding-DNA position 757, G replaced by A.
Protein change: p.Glu253Lys; replaces glutamic acid 253 with lysine.
Molecular consequence: missense variant. On other transcripts: intron variant (6).
Genome position (GRCh38, 1-based): chr10:86,699,279, G>A. VCF-style: chr10-86699279-G-A. GRCh37 (hg19) VCF-style: chr10-88459036-G-A.
Other names: c.898G>A, p.Glu300Lys (NM_001080115.2, NM_001368063.1); c.757G>A, p.Glu253Lys (NM_001080116.1, NM_001368068.1); c.1102G>A, p.Glu368Lys (NM_001171611.2); c.896+6708G>A (NM_001368064.1, NM_007078.3, NM_001368065.1); c.1100+6708G>A (NM_001171610.2); c.755+6708G>A (NM_001368066.1, NM_001080114.2); short protein forms E253K, E300K, E368K.
Identifiers: ClinVar variation 4532440 (VCV004532440.1).